The following is an entry in ClinVar:

ClinVar aggregate classification (germline): Uncertain significance (1 of 4 stars; one submission).

Submission:

Ambry Genetics
Classification: Uncertain significance. Last evaluated: 2023-10-02. Review status: criteria provided, single submitter. Criteria: Ambry Variant Classification Scheme 2023. Collection method: clinical testing. Allele origin: germline.
Comment: The p.V1058D variant (also known as c.3173T>A), located in coding exon 1 of the MLH3 gene, results from a T to A substitution at nucleotide position 3173. The valine at codon 1058 is replaced by aspartic acid, an amino acid with highly dissimilar properties. This amino acid position is conserved. In addition, this alteration is predicted to be deleterious by in silico analysis. Since supporting evidence is limited at this time, the clinical significance of this alteration remains unclear.

NM_001040108.2(MLH3):c.3173T>A (p.Val1058Asp)

Gene: MLH3 (mutL homolog 3; minus strand). Cytogenetic location: 14q24.3.
Variant type: single nucleotide variant.
Coding change: c.3173T>A on transcript NM_001040108.2 (MANE Select); coding-DNA position 3173, T replaced by A.
Protein change: p.Val1058Asp; replaces valine 1058 with aspartic acid.
Molecular consequence: missense variant.
Genome position (GRCh38, 1-based): chr14:75,046,483, A>T on the plus strand (T>A on the coding strand, the complement: MLH3 is on the minus strand). VCF-style: chr14-75046483-A-T. GRCh37 (hg19) VCF-style: chr14-75513186-A-T.
Other names: c.3173T>A, p.Val1058Asp (NM_014381.3); short protein forms V1058D.
Identifiers: ClinVar variation 3232530 (VCV003232530.1), dbSNP rs1047794293, ClinGen allele CA390435413.